The following is an entry in ClinVar:

NM_001352027.3(PHF21A):c.1993C>T (p.Pro665Ser)

Gene: PHF21A (PHD finger protein 21A; minus strand). Cytogenetic location: 11p11.2.
Variant type: single nucleotide variant.
Coding change: c.1993C>T on transcript NM_001352027.3 (MANE Select); coding-DNA position 1993, C replaced by T.
Protein change: p.Pro665Ser; replaces proline 665 with serine.
Molecular consequence: missense variant. On other transcripts: non-coding transcript variant (2).
Genome position (GRCh38, 1-based): chr11:45,934,021, G>A on the plus strand (C>T on the coding strand, the complement: PHF21A is on the minus strand). VCF-style: chr11-45934021-G-A. GRCh37 (hg19) VCF-style: chr11-45955572-G-A.
Other names: c.1990C>T, p.Pro664Ser (NM_001101802.3); c.1993C>T, p.Pro665Ser (NM_001352025.3, NM_001352026.3); c.1852C>T, p.Pro618Ser (NM_001352028.1, NM_001352029.1, NM_016621.5); c.1849C>T, p.Pro617Ser (NM_001352030.3, NM_001352031.3, NM_001352032.3); short protein forms P617S, P665S, P618S, P664S.
Identifiers: ClinVar variation 3212139 (VCV003212139.3), dbSNP rs943812963, ClinGen allele CA221608073.

ClinVar aggregate classification (germline): Uncertain significance. Review status: criteria provided, multiple submitters, no conflicts (2 of 4 stars). 2 submissions from 2 submitters: Uncertain significance (2). Last evaluated 2025-09-24.

Conditions:
Inborn genetic diseases. Identifiers: MedGen C0950123, MeSH D030342.

Allele frequency attached by ClinVar (database versions not stated): gnomAD exomes 0.00001.
gnomAD v4.1: 22 of 1,610,986 alleles (0.0014%); highest among the groups gnomAD compares: Non-Finnish European, 0.0015%; no homozygotes.

Submissions (2):

Labcorp Genetics (formerly Invitae), Labcorp
Classification: Uncertain significance. Last evaluated: 2025-09-24. Review status: criteria provided, single submitter. Criteria: Invitae Variant Classification Sherloc (09022015). Collection method: clinical testing. Allele origin: germline.
Comment: This sequence change replaces proline, which is neutral and non-polar, with serine, which is neutral and polar, at codon 664 of the PHF21A protein (p.Pro664Ser). This variant is present in population databases (no rsID available, gnomAD 0.002%). This variant has not been reported in the literature in individuals affected with PHF21A-related conditions. ClinVar contains an entry for this variant (Variation ID: 3212139). Invitae Evidence Modeling of protein sequence and biophysical properties (such as structural, functional, and spatial information, amino acid conservation, physicochemical variation, residue mobility, and thermodynamic stability) indicates that this missense variant is not expected to disrupt PHF21A protein function with a negative predictive value of 80%. In summary, the available evidence is currently insufficient to determine the role of this variant in disease. Therefore, it has been classified as a Variant of Uncertain Significance.

Ambry Genetics
Classification: Uncertain significance for Inborn genetic diseases. Last evaluated: 2024-02-26. Review status: criteria provided, single submitter. Criteria: Ambry Variant Classification Scheme 2023. Collection method: clinical testing. Allele origin: germline.